The following is an entry in ClinVar:

NM_001830.4(CLCN4):c.1561G>A (p.Ala521Thr)

Gene: CLCN4 (Cl-/H+ antiporter 4; plus strand). Cytogenetic location: Xp22.2.
Variant type: single nucleotide variant.
Coding change: c.1561G>A on transcript NM_001830.4 (MANE Select); coding-DNA position 1561, G replaced by A.
Protein change: p.Ala521Thr; replaces alanine 521 with threonine.
Molecular consequence: missense variant.
Genome position (GRCh38, 1-based): chrX:10,212,638, G>A. VCF-style: chrX-10212638-G-A. GRCh37 (hg19) VCF-style: chrX-10180678-G-A.
Other names: c.1279G>A, p.Ala427Thr (NM_001256944.2); short protein forms A427T, A521T.
Identifiers: ClinVar variation 1030482 (VCV001030482.3), dbSNP rs1924590136, ClinGen allele CA412041221.
Genomic context (GRCh38, chrX:10,212,638, plus strand): 5'-AGGAACTGGTGCAGACCCGGTGCAGACTGTGTCACGCCAGGGCTGTACGCAATGGTGGGA[G>A]CTGCGGCCTGCCTCGGTACGACCATGGGTGGGGCAGGGAGGGGGACCGGGGAACTAATCT-3'
Protein context (NP_001821.2, residues 511-531): VTPGLYAMVG[Ala521Thr]AACLGGVTRM

ClinVar aggregate classification (germline): Uncertain significance. Review status: criteria provided, multiple submitters, no conflicts (2 of 4 stars). 2 submissions from 2 submitters: Uncertain significance (2). Last evaluated 2024-07-20.

Conditions:
Intellectual disability, X-linked 49 (MRXSRC). Also called: MRX49; CLCN4-Related Neurodevelopmental Disorder; CLCN4-related X-linked intellectual disability syndrome; RAYNAUD-CLAES SYNDROME; MENTAL RETARDATION, X-LINKED 15. Identifiers: Orphanet 485350, Orphanet 777, MedGen C0796221, MONDO:0010250, OMIM 300114.

Allele frequency attached by ClinVar (database versions not stated): gnomAD exomes below 0.00001.
gnomAD v4.1: 2 of 1,208,722 alleles (0.00017%); highest among the groups gnomAD compares: Non-Finnish European, 0.00022%; no homozygotes.

Submissions (2):

Labcorp Genetics (formerly Invitae), Labcorp
Classification: Uncertain significance. Last evaluated: 2024-07-20. Review status: criteria provided, single submitter. Criteria: Invitae Variant Classification Sherloc (09022015). Collection method: clinical testing. Allele origin: germline.
Comment: This sequence change replaces alanine, which is neutral and non-polar, with threonine, which is neutral and polar, at codon 521 of the CLCN4 protein (p.Ala521Thr). This variant is not present in population databases (gnomAD no frequency). This variant has not been reported in the literature in individuals affected with CLCN4-related conditions. ClinVar contains an entry for this variant (Variation ID: 1030482). Advanced modeling of protein sequence and biophysical properties (such as structural, functional, and spatial information, amino acid conservation, physicochemical variation, residue mobility, and thermodynamic stability) performed at Invitae indicates that this missense variant is expected to disrupt CLCN4 protein function with a positive predictive value of 95%. In summary, the available evidence is currently insufficient to determine the role of this variant in disease. Therefore, it has been classified as a Variant of Uncertain Significance.

Baylor Genetics
Classification: Uncertain significance for Intellectual disability, X-linked 49. Last evaluated: 2020-04-05. Review status: criteria provided, single submitter. Criteria: ACMG Guidelines, 2015. Collection method: clinical testing. Allele origin: unknown. Affected: yes.
Comment: This variant was determined to be of uncertain significance according to ACMG Guidelines, 2015 [PMID:25741868].